The following is an entry in ClinVar:

NM_016239.4(MYO15A):c.7711_7712dup (p.Gln2571fs)

Gene: MYO15A (myosin XVA; plus strand). Cytogenetic location: 17p11.2.
Variant type: Microsatellite.
Coding change: c.7711_7712dup on transcript NM_016239.4 (MANE Select); coding-DNA positions 7711 to 7712, 2 bases duplicated (CA; older notation c.7711_7712dupCA).
Protein change: p.Gln2571fs; shifts the reading frame from glutamine 2571.
Molecular consequence: frameshift variant.
Genome position (GRCh38, 1-based): chr17:18,151,451-18,151,452, CA duplicated; duplicating any 2 consecutive bases within chr17:18,151,449-18,151,452 gives the same sequence; the c. name uses the placement nearest the transcript's 3' end. VCF-style (leftmost placement, unchanged base first): chr17-18151448-C-CCA. GRCh37 (hg19) VCF-style: chr17-18054762-C-CCA.
Other names: c.7708_7709insCA (NM_016239.4); short protein forms Q2571fs.
Identifiers: ClinVar variation 1185078 (VCV001185078.4), dbSNP rs1267868260, ClinGen allele CA625315422.

ClinVar aggregate classification (germline): Pathogenic/Likely pathogenic. Review status: criteria provided, multiple submitters, no conflicts (2 of 4 stars). 3 submissions from 3 submitters: Pathogenic (1); Likely pathogenic (1). 1 of the submissions does not count toward it. Last evaluated 2024-02-22.

Conditions:
MYO15A-related disorder. Also called: MYO15A-related condition.
Autosomal recessive nonsyndromic hearing loss 3. Also called: NEUROSENSORY NONSYNDROMIC RECESSIVE DEAFNESS 3. Identifiers: Orphanet 90636, MedGen C1838263, MONDO:0010860, OMIM 600316.

Submissions (3):

Labcorp Genetics (formerly Invitae), Labcorp
Classification: Pathogenic. Last evaluated: 2024-02-22. Review status: criteria provided, single submitter. Criteria: Invitae Variant Classification Sherloc (09022015). Collection method: clinical testing. Allele origin: germline.
Comment: This sequence change creates a premature translational stop signal (p.Gln2571Hisfs*35) in the MYO15A gene. It is expected to result in an absent or disrupted protein product. Loss-of-function variants in MYO15A are known to be pathogenic (PMID: 17546645). This variant is present in population databases (no rsID available, gnomAD 0.06%). This premature translational stop signal has been observed in individual(s) with nonsyndromic deafness (PMID: 30953472, 35346193). Algorithms developed to predict the effect of sequence changes on RNA splicing suggest that this variant may disrupt the consensus splice site. For these reasons, this variant has been classified as Pathogenic.

Blueprint Genetics
Classification: Likely pathogenic for MYO15A-related disorders. Last evaluated: 2021-12-13. Review status: criteria provided, single submitter. Criteria: ACMG Guidelines, 2015. Collection method: clinical testing. Allele origin: germline. Affected: yes. Observed: 2 variant alleles.

WangQJ Lab, Chinese People's Liberation Army General Hospital
Classification: Likely pathogenic for Autosomal recessive nonsyndromic hearing loss 3. Last evaluated: 2021-07-01. Review status: no assertion criteria provided. Collection method: clinical testing. Allele origin: maternal. Affected: yes. Not counted in ClinVar's aggregate classification.

Literature cited by the submitters: PubMed 17546645 (cited by Labcorp Genetics (formerly Invitae), Labcorp); PubMed 30953472 (cited by Labcorp Genetics (formerly Invitae), Labcorp); PubMed 35346193 (cited by Labcorp Genetics (formerly Invitae), Labcorp).